The following is an entry in ClinVar:

ClinVar aggregate classification (germline): Pathogenic (1 of 4 stars; one submission).

Conditions:
Deficiency of aromatic-L-amino-acid decarboxylase. Also called: AADC DEFICIENCY; DDC DEFICIENCY; DOPA DECARBOXYLASE DEFICIENCY; Aromatic L-Amino Acid Decarboxylase Deficiency; Aromatic amino acid decarboxylase deficiency. Identifiers: Orphanet 35708, MedGen C1291564, MONDO:0012084, OMIM 608643.

Allele frequency attached by ClinVar (database versions not stated): gnomAD exomes below 0.00001; ExAC 0.00001; gnomAD 0.00001; TOPMed 0.00001.

Submission:

Labcorp Genetics (formerly Invitae), Labcorp
Classification: Pathogenic for Deficiency of aromatic-L-amino-acid decarboxylase. Last evaluated: 2025-07-09. Review status: criteria provided, single submitter. Criteria: Invitae Variant Classification Sherloc (09022015). Collection method: clinical testing. Allele origin: germline.
Comment: This sequence change creates a premature translational stop signal (p.Gln28*) in the DDC gene. It is expected to result in an absent or disrupted protein product. Loss-of-function variants in DDC are known to be pathogenic (PMID: 15079002, 24788355). This variant is present in population databases (rs755511752, gnomAD 0.0009%). This variant has not been reported in the literature in individuals affected with DDC-related conditions. ClinVar contains an entry for this variant (Variation ID: 1373356). For these reasons, this variant has been classified as Pathogenic.

Literature cited by the submitters: PubMed 15079002; PubMed 24788355.

NM_001082971.2(DDC):c.82C>T (p.Gln28Ter)

Gene: DDC (dopa decarboxylase; minus strand). Cytogenetic location: 7p12.1.
Variant type: single nucleotide variant.
Coding change: c.82C>T on transcript NM_001082971.2 (MANE Select); coding-DNA position 82, C replaced by T.
Protein change: p.Gln28Ter; replaces glutamine 28 with a stop codon.
Molecular consequence: nonsense.
Genome position (GRCh38, 1-based): chr7:50,544,004, G>A on the plus strand (C>T on the coding strand, the complement: DDC is on the minus strand). VCF-style: chr7-50544004-G-A. GRCh37 (hg19) VCF-style: chr7-50611702-G-A.
Other names: c.82C>T, p.Gln28Ter (NM_000790.4, NM_001242886.2, NM_001242887.2 and 3 more transcripts); short protein forms Q28*.
Identifiers: ClinVar variation 1373356 (VCV001373356.6), dbSNP rs755511752, ClinGen allele CA4262508.